The following is an entry in ClinVar:

NC_000002.11:g.(?_73612997)_(73747163_?)del

Gene: ALMS1 (ALMS1 centrosome and basal body associated protein; plus strand). Cytogenetic location: 2p13.1.
Variant type: Deletion.
Identifiers: ClinVar variation 3247152 (VCV003247152.1).

ClinVar aggregate classification (germline): Pathogenic (1 of 4 stars; one submission).

Conditions:
Alstrom syndrome (ALMS). Identifiers: Orphanet 64, MedGen C0268425, MONDO:0008763, OMIM 203800.

Submission:

Labcorp Genetics (formerly Invitae), Labcorp
Classification: Pathogenic for Alstrom syndrome. Last evaluated: 2022-10-31. Review status: criteria provided, single submitter. Criteria: Invitae Variant Classification Sherloc (09022015). Collection method: clinical testing. Allele origin: unknown.
Comment: For these reasons, this variant has been classified as Pathogenic. This variant has not been reported in the literature in individuals affected with ALMS1-related conditions. This variant is a gross deletion of the genomic region encompassing exon(s) 1-11 of the ALMS1 gene, which includes the initiator codon. This deletion extends beyond the assayed region for this gene and therefore may encompass additional genes. It is expected to result in an absent or disrupted protein product. Loss-of-function variants in ALMS1 are known to be pathogenic (PMID: 17594715).

Literature cited by the submitters: PubMed 17594715.